The following is an entry in ClinVar:

NM_000051.4(ATM):c.6808-11T>C

Genes: ATM (ATM serine/threonine kinase; plus strand), C11orf65 (chromosome 11 open reading frame 65; minus strand). Cytogenetic location: 11q22.3.
Variant type: single nucleotide variant.
Coding change: c.6808-11T>C on transcript NM_000051.4 (MANE Select); 11 bases into the intron before coding-DNA position 6808, T replaced by C.
Molecular consequence: intron variant.
Genome position (GRCh38, 1-based): chr11:108,326,047, T>C. VCF-style: chr11-108326047-T-C. GRCh37 (hg19) VCF-style: chr11-108196774-T-C.
Other names: c.6808-11T>C (NM_001351834.2); c.641-16976A>G (NM_001330368.2); c.*38+9173A>G (NM_001351110.2).
Identifiers: ClinVar variation 3253819 (VCV003253819.1), dbSNP rs2547214686.
Genomic context (GRCh38, chr11:108,326,047, plus strand): 5'-TTATTATTATTATTCATGGTAGTAGTATCAGTAGTAAAAGTATTTATTCCCATATGTCAT[T>C]TTCATTTCAGCTCCCTGAAAGGGCAATATTTCAAATTAAACAGTACAATTCAGTTAGCTG-3'

ClinVar aggregate classification (germline): Likely benign (1 of 4 stars; one submission).

Conditions:
Familial cancer of breast. Also called: hereditary breast carcinoma; BREAST CANCER, FAMILIAL; Hereditary breast cancer. Identifiers: Orphanet 227535, MedGen C0346153, MONDO:0016419, OMIM 114480. Disease mechanism: loss of function.

Submission:

Myriad Genetics, Inc.
Classification: Likely benign for Familial cancer of breast. Last evaluated: 2024-06-12. Review status: criteria provided, single submitter. Criteria: Myriad Autosomal Dominant, Autosomal Recessive and X-Linked Classification Criteria (2023). Collection method: clinical testing. Allele origin: unknown.
Comment: This variant is considered likely benign. This variant is intronic and is not expected to impact mRNA splicing.